The following is an entry in ClinVar:

NM_001035.3(RYR2):c.6532G>A (p.Val2178Ile)

Gene: RYR2 (ryanodine receptor 2; plus strand). Cytogenetic location: 1q43.
Variant type: single nucleotide variant.
Coding change: c.6532G>A on transcript NM_001035.3 (MANE Select); coding-DNA position 6532, G replaced by A.
Protein change: p.Val2178Ile; replaces valine 2178 with isoleucine.
Molecular consequence: missense variant.
Genome position (GRCh38, 1-based): chr1:237,631,518, G>A. VCF-style: chr1-237631518-G-A. GRCh37 (hg19) VCF-style: chr1-237794818-G-A.
Other names: p.V2178I:GTC>ATC; c.6532G>A, p.Val2178Ile (LRG_402t1); short protein forms V2178I.
Identifiers: ClinVar variation 201385 (VCV000201385.7), dbSNP rs794728821, ClinGen allele CA010204.

ClinVar aggregate classification (germline): Conflicting classifications of pathogenicity. Review status: criteria provided, conflicting classifications (1 of 4 stars). 4 submissions from 4 submitters: Likely pathogenic (1); Uncertain significance (3). Last evaluated 2025-07-18.

Conditions:
Cardiomyopathy (CMYO). Also called: Cardiomyopathies. Identifiers: Orphanet 167848, MedGen C0878544, MONDO:0004994, HP:0001638. Inheritance: Various modes of inheritance.
Catecholaminergic polymorphic ventricular tachycardia 1. Also called: RYR2-Related Catecholaminergic Polymorphic Ventricular Tachycardia; VENTRICULAR TACHYCARDIA, CATECHOLAMINERGIC POLYMORPHIC, 1, WITH OR WITHOUT ATRIAL DYSFUNCTION AND/OR DILATED CARDIOMYOPATHY; VENTRICULAR TACHYCARDIA, STRESS-INDUCED POLYMORPHIC 1. Identifiers: Orphanet 3286, MedGen C1631597, MONDO:0011484, OMIM 604772.
Arrhythmogenic right ventricular dysplasia 2. Identifiers: MedGen C1832931.

Allele frequency attached by ClinVar (database versions not stated): gnomAD exomes below 0.00001.
gnomAD v4.1: 1 of 1,607,508 alleles (0.000062%); highest among the groups gnomAD compares: Non-Finnish European, 0.000085%; no homozygotes.

Submissions (4):

Color Diagnostics, LLC DBA Color Health
Classification: Uncertain significance for Cardiomyopathy. Last evaluated: 2025-07-18. Review status: criteria provided, single submitter. Criteria: ACMG Guidelines, 2015. Collection method: clinical testing. Allele origin: germline.
Comment: This missense variant replaces valine with isoleucine at codon 2178 of the RYR2 protein. This variant occurs in a region of the RYR2 protein that is considered to be a hotspot for pathogenic variants that contribute to catecholaminergic polymorphic ventricular tachycardia susceptibility (PMID: 29453246, 30696458). Computational prediction suggests that this variant may have a deleterious impact on protein structure and function. To our knowledge, functional studies have not been reported for this variant. This variant has been reported in an individual affected with sudden cardiac death (PMID: 22787013) and in an individual affected with Brugada syndrome (PMID: 30847666). This variant has not been identified in the general population by the Genome Aggregation Database (gnomAD). The available evidence is insufficient to determine the role of this variant in disease conclusively. Therefore, this variant is classified as a Variant of Uncertain Significance.

Labcorp Genetics (formerly Invitae), Labcorp
Classification: Uncertain significance for Catecholaminergic polymorphic ventricular tachycardia 1. Last evaluated: 2024-03-21. Review status: criteria provided, single submitter. Criteria: Invitae Variant Classification Sherloc (09022015). Collection method: clinical testing. Allele origin: germline.
Comment: This sequence change replaces valine, which is neutral and non-polar, with isoleucine, which is neutral and non-polar, at codon 2178 of the RYR2 protein (p.Val2178Ile). This variant is not present in population databases (gnomAD no frequency). This missense change has been observed in individual(s) with Brugada syndrome and/or sudden cardiac death (PMID: 22787013, 30847666). ClinVar contains an entry for this variant (Variation ID: 201385). Advanced modeling of protein sequence and biophysical properties (such as structural, functional, and spatial information, amino acid conservation, physicochemical variation, residue mobility, and thermodynamic stability) performed at Invitae indicates that this missense variant is expected to disrupt RYR2 protein function with a positive predictive value of 95%. In summary, the available evidence is currently insufficient to determine the role of this variant in disease. Therefore, it has been classified as a Variant of Uncertain Significance.

Institute of Human Genetics, University of Leipzig Medical Center
Classification: Likely pathogenic for Catecholaminergic polymorphic ventricular tachycardia 1. Last evaluated: 2018-10-15. Review status: criteria provided, single submitter. Criteria: ACMG Guidelines, 2015. Collection method: clinical testing. Allele origin: germline. Affected: yes. Observed: 1 variant allele.

GeneDx
Classification: Uncertain significance. Last evaluated: 2016-04-14. Review status: criteria provided, single submitter. Criteria: GeneDx Variant Classification (06012015). Collection method: clinical testing. Allele origin: germline. Affected: yes.
Comment: The Val2178Ile variant in the RYR2 gene has not been reported previously as a disease-causing mutation or as a benign polymorphism, to our knowledge. Val2178Ile is a conservative amino acid substitution of a non-polar Valine with a non-polar Isoleucine at a position that is conserved through mammals. The NHLBI ESP Exome Variant Server reports Val2178Ile was not observed in approximately 4,900 samples from individuals of European and African American backgrounds, indicating it is not a common variant in these populations; however, ethnically-matched control data is not available for this variant. In addition, Val2178 is not located in any of the mutation hotspot regions of the RYR2 gene (Medeiros-Domingo A et al., 2009). With the clinical and molecular information available at this time, we cannot determine whether Val2178Ile in the RYR2 gene is a disease-causing mutation or a benign variant.

Literature cited by the submitters: PubMed 22787013 (cited by Color Diagnostics, LLC DBA Color Health and Labcorp Genetics (formerly Invitae), Labcorp); PubMed 29453246 (cited by Color Diagnostics, LLC DBA Color Health); PubMed 30696458 (cited by Color Diagnostics, LLC DBA Color Health); PubMed 30847666 (cited by Color Diagnostics, LLC DBA Color Health and Labcorp Genetics (formerly Invitae), Labcorp).